The following is an entry in ClinVar:

ClinVar aggregate classification (germline): Uncertain significance (1 of 4 stars; one submission).

Conditions:
Hereditary cancer-predisposing syndrome. Also called: Neoplastic Syndromes, Hereditary; Tumor predisposition; Hereditary neoplastic syndrome; Hereditary Cancer Syndrome. Identifiers: Orphanet 140162, MedGen C0027672, MeSH D009386, MONDO:0015356.

Submission:

Ambry Genetics
Classification: Uncertain significance for Hereditary cancer-predisposing syndrome. Last evaluated: 2023-10-20. Review status: criteria provided, single submitter. Criteria: Ambry Variant Classification Scheme 2023. Collection method: clinical testing. Allele origin: germline.
Comment: The p.G2266D variant (also known as c.6797G>A), located in coding exon 49 of the POLE gene, results from a G to A substitution at nucleotide position 6797. The glycine at codon 2266 is replaced by aspartic acid, an amino acid with similar properties. This amino acid position is conserved. In addition, this alteration is predicted to be tolerated by in silico analysis. Since supporting evidence is limited at this time, the clinical significance of this alteration remains unclear.

NM_006231.4(POLE):c.6797G>A (p.Gly2266Asp)

Gene: POLE (DNA polymerase epsilon, catalytic subunit; minus strand). Cytogenetic location: 12q24.33.
Variant type: single nucleotide variant.
Coding change: c.6797G>A on transcript NM_006231.4 (MANE Select); coding-DNA position 6797, G replaced by A.
Protein change: p.Gly2266Asp; replaces glycine 2266 with aspartic acid.
Molecular consequence: missense variant.
Genome position (GRCh38, 1-based): chr12:132,624,761, C>T on the plus strand (G>A on the coding strand, the complement: POLE is on the minus strand). VCF-style: chr12-132624761-C-T. GRCh37 (hg19) VCF-style: chr12-133201347-C-T.
Other names: short protein forms G2266D.
Identifiers: ClinVar variation 3225507 (VCV003225507.1), dbSNP rs2138421902, ClinGen allele CA387365760.